The following is an entry in ClinVar:

ClinVar aggregate classification (germline): Uncertain significance (1 of 4 stars; one submission).

Conditions:
Fanconi anemia (FA). Also called: Fanconi's anemia. Identifiers: Orphanet 84, MedGen C0015625, MeSH D005199, MONDO:0019391.

Submission:

Labcorp Genetics (formerly Invitae), Labcorp
Classification: Uncertain significance for Fanconi anemia. Last evaluated: 2023-03-17. Review status: criteria provided, single submitter. Criteria: Invitae Variant Classification Sherloc (09022015). Collection method: clinical testing. Allele origin: germline.
Comment: This variant has not been reported in the literature in individuals affected with FANCI-related conditions. In summary, the available evidence is currently insufficient to determine the role of this variant in disease. Therefore, it has been classified as a Variant of Uncertain Significance. Algorithms developed to predict the effect of sequence changes on RNA splicing suggest that this variant may create or strengthen a splice site. Algorithms developed to predict the effect of missense changes on protein structure and function output the following: SIFT: "Not Available"; PolyPhen-2: "Benign"; Align-GVGD: "Not Available". The aspartic acid amino acid residue is found in multiple mammalian species, which suggests that this missense change does not adversely affect protein function. This variant is present in population databases (no rsID available, gnomAD 0.007%). This sequence change replaces glutamic acid, which is acidic and polar, with aspartic acid, which is acidic and polar, at codon 1118 of the FANCI protein (p.Glu1118Asp).

NM_001113378.2(FANCI):c.3354G>C (p.Glu1118Asp)

Gene: FANCI (FA complementation group I; plus strand). Cytogenetic location: 15q26.1.
Variant type: single nucleotide variant.
Coding change: c.3354G>C on transcript NM_001113378.2 (MANE Select); coding-DNA position 3354, G replaced by C.
Protein change: p.Glu1118Asp; replaces glutamic acid 1118 with aspartic acid.
Molecular consequence: missense variant.
Genome position (GRCh38, 1-based): chr15:89,306,011, G>C. VCF-style: chr15-89306011-G-C. GRCh37 (hg19) VCF-style: chr15-89849242-G-C.
Other names: c.3075G>C, p.Glu1025Asp (NM_001376910.1); c.3354G>C, p.Glu1118Asp (NM_001376911.1); c.3174G>C, p.Glu1058Asp (NM_018193.3); short protein forms E1025D, E1058D, E1118D.
Identifiers: ClinVar variation 2890091 (VCV002890091.3), dbSNP rs760199293, ClinGen allele CA393740273.